The following is an entry in ClinVar:

NC_000005.9:g.(?_148442514)_(148442585_?)del

Gene: SH3TC2 (SH3 domain and tetratricopeptide repeats 2; minus strand). Cytogenetic location: 5q32.
Variant type: Deletion.
Identifiers: ClinVar variation 3246420 (VCV003246420.1).

ClinVar aggregate classification (germline): Pathogenic (1 of 4 stars; one submission).

Conditions:
Charcot-Marie-Tooth disease type 4. Also called: Charcot-Marie-Tooth, Type 4; Charcot-Marie-Tooth disease, type IV. Identifiers: Orphanet 64749, MedGen C4082197, MONDO:0018995.

Submission:

Labcorp Genetics (formerly Invitae), Labcorp
Classification: Pathogenic for Charcot-Marie-Tooth disease type 4. Last evaluated: 2022-07-27. Review status: criteria provided, single submitter. Criteria: Invitae Variant Classification Sherloc (09022015). Collection method: clinical testing. Allele origin: unknown.
Comment: This variant is a gross deletion of the genomic region encompassing exon(s) 1 of the SH3TC2 gene, which includes the initiator codon. This deletion extends beyond the assayed region for this gene and therefore may encompass additional genes. It is expected to result in an absent or disrupted protein product. Loss-of-function variants in SH3TC2 are known to be pathogenic (PMID: 20220177, 27068304). This variant has not been reported in the literature in individuals affected with SH3TC2-related conditions. For these reasons, this variant has been classified as Pathogenic.

Literature cited by the submitters: PubMed 20220177; PubMed 27068304.